The following is an entry in ClinVar:

ClinVar aggregate classification (germline): Conflicting classifications of pathogenicity. Review status: criteria provided, conflicting classifications (1 of 4 stars). 9 submissions from 9 submitters: Uncertain significance (4); Likely benign (3). 2 of the submissions do not count toward it. Last evaluated 2026-01-10.

Conditions:
Hereditary cancer-predisposing syndrome. Also called: Tumor predisposition; Neoplastic Syndromes, Hereditary; Hereditary Cancer Syndrome; Hereditary neoplastic syndrome. Identifiers: Orphanet 140162, MedGen C0027672, MeSH D009386, MONDO:0015356.
Hereditary breast ovarian cancer syndrome. Also called: Hereditary breast and ovarian cancer syndrome (HBOC); Hereditary breast and ovarian cancer syndrome; Hereditary breast and ovarian cancer; Hereditary breast and/or ovarian cancer syndrome; Breast and ovarian cancer; BRCA1- and BRCA2-Associated Hereditary Breast and Ovarian Cancer. Identifiers: Orphanet 145, MedGen C0677776, MeSH D061325, MONDO:0003582. Disease mechanism: loss of function.
Breast-ovarian cancer, familial, susceptibility to, 1 (BROVCA1). Also called: OVARIAN CANCER, SUSCEPTIBILITY TO; BRCA1 Hereditary Breast and Ovarian Cancer. Identifiers: Orphanet 145, MedGen C2676676, MONDO:0011450, OMIM 604370. Disease mechanism: loss of function.

Allele frequency attached by ClinVar (database versions not stated): gnomAD exomes below 0.00001 and 0.00001; ExAC 0.00002.
gnomAD v4.1: 4 of 1,613,224 alleles (0.00025%); highest among the groups gnomAD compares: Non-Finnish European, 0.00025%; no homozygotes.

Submissions (9):

Labcorp Genetics (formerly Invitae), Labcorp
Classification: Uncertain significance for Hereditary breast ovarian cancer syndrome. Last evaluated: 2026-01-10. Review status: criteria provided, single submitter. Criteria: Invitae Variant Classification Sherloc (09022015). Collection method: clinical testing. Allele origin: germline.
Comment: This sequence change replaces proline, which is neutral and non-polar, with leucine, which is neutral and non-polar, at codon 1126 of the BRCA1 protein (p.Pro1126Leu). This variant is present in population databases (rs80356887, gnomAD 0.002%). This missense change has been observed in individual(s) with personal and/or family history of breast and/or ovarian cancer (PMID: 34981296). ClinVar contains an entry for this variant (Variation ID: 54862). Invitae Evidence Modeling of protein sequence and biophysical properties (such as structural, functional, and spatial information, amino acid conservation, physicochemical variation, residue mobility, and thermodynamic stability) indicates that this missense variant is not expected to disrupt BRCA1 protein function with a negative predictive value of 80%. In summary, the available evidence is currently insufficient to determine the role of this variant in disease. Therefore, it has been classified as a Variant of Uncertain Significance.

Center for Genomic Medicine, Rigshospitalet, Copenhagen University Hospital
Classification: Likely benign. Last evaluated: 2025-12-29. Review status: criteria provided, single submitter. Criteria: ACMG Guidelines, 2015. Collection method: clinical testing. Allele origin: germline.
Comment: Classification criteria: BP1_strong

GeneDx
Classification: Uncertain significance. Last evaluated: 2025-01-07. Review status: criteria provided, single submitter. Criteria: GeneDx Variant Classification Process June 2021. Collection method: clinical testing. Allele origin: germline. Affected: yes.
Comment: Not observed at significant frequency in large population cohorts (gnomAD); In silico analysis supports that this missense variant has a deleterious effect on protein structure/function; Also known as 3496C>T; This variant is associated with the following publications: (PMID: 15385441, 29884841, 32377563, 31911673, 31853058, 34981296, 16267036)

Ambry Genetics
Classification: Uncertain significance for Hereditary cancer-predisposing syndrome. Last evaluated: 2023-12-22. Review status: criteria provided, single submitter. Criteria: Ambry Variant Classification Scheme 2023. Collection method: clinical testing. Allele origin: germline.
Comment: The p.P1126L variant (also known as c.3377C>T), located in coding exon 9 of the BRCA1 gene, results from a C to T substitution at nucleotide position 3377. The proline at codon 1126 is replaced by leucine, an amino acid with very few similar properties. A study of 1477 BRCA1 alterations classified the p.P1126L variant as 'uncertain clinical significance' (Judkins T et al. Cancer Res. 2005 Nov;65:10096-103). This amino acid position is not well conserved in available vertebrate species. In addition, the in silico prediction for this alteration is inconclusive. Since supporting evidence is limited at this time, the clinical significance of this alteration remains unclear.

Myriad Genetics, Inc.
Classification: Likely benign for Breast-ovarian cancer, familial, susceptibility to, 1. Last evaluated: 2023-05-05. Review status: criteria provided, single submitter. Criteria: Myriad Autosomal Dominant, Autosomal Recessive and X-Linked Classification Criteria (2023). Collection method: clinical testing. Allele origin: unknown.
Comment: This variant is considered likely benign. This variant is strongly associated with less severe personal and family histories of cancer, typical for individuals without pathogenic variants in this gene [PMID: 25085752].

University of Washington Department of Laboratory Medicine, University of Washington
Classification: Likely benign for Hereditary cancer-predisposing syndrome. Last evaluated: 2023-03-23. Review status: criteria provided, single submitter. Criteria: Dines et al. (Genet Med. 2020). Collection method: curation. Allele origin: germline.
Comment: Missense variant in a coldspot region where missense variants are very unlikely to be pathogenic (PMID:31911673).

BRCA1 coldspot (exon 11 using historical exon numbering). Reclassification based on statistical prior probability

Color Diagnostics, LLC DBA Color Health
Classification: Uncertain significance for Hereditary cancer-predisposing syndrome. Last evaluated: 2019-10-22. Review status: criteria provided, single submitter. Criteria: ACMG Guidelines, 2015. Collection method: clinical testing. Allele origin: germline.
Comment: This missense variant replaces proline with leucine at codon 1126 of the BRCA1 protein. Computational prediction suggests that this variant may not impact protein structure and function (internally defined REVEL score threshold <= 0.5, PMID: 27666373). Splice site prediction tools suggest that this variant may not impact RNA splicing. To our knowledge, functional studies have not been performed for this variant. This variant has not been reported in individuals affected with hereditary cancer in the literature. This variant has been identified in 2/250460 chromosomes in the general population by the Genome Aggregation Database (gnomAD). The available evidence is insufficient to determine the role of this variant in disease conclusively. Therefore, this variant is classified as a Variant of Uncertain Significance.

BRCAlab, Lund University
Classification: Uncertain significance for Breast-ovarian cancer, familial, susceptibility to, 1. Last evaluated: 2020-03-02. Review status: no assertion criteria provided. Collection method: clinical testing. Allele origin: germline. Affected: yes. Not counted in ClinVar's aggregate classification.

Breast Cancer Information Core (BIC) (BRCA1)
Classification: Uncertain significance for Breast-ovarian cancer, familial 1. Last evaluated: 2003-12-23. Review status: no assertion criteria provided. Collection method: clinical testing. Allele origin: germline. Affected: yes. Observed: 1 variant allele. Not counted in ClinVar's aggregate classification.

Literature cited by the submitters: PubMed 34981296 (cited by Labcorp Genetics (formerly Invitae), Labcorp); PubMed 15385441 (cited by Ambry Genetics); PubMed 16267036 (cited by Ambry Genetics); PubMed 25085752 (cited by Myriad Genetics, Inc.).

NM_007294.4(BRCA1):c.3377C>T (p.Pro1126Leu)

Genes: BRCA1 (BRCA1 DNA repair associated; minus strand), LOC126862571 (BRD4-independent group 4 enhancer GRCh37_chr17:41243136-41244335; plus strand). Cytogenetic location: 17q21.31.
Variant type: single nucleotide variant.
Coding change: c.3377C>T on transcript NM_007294.4 (MANE Select); coding-DNA position 3377, C replaced by T.
Protein change: p.Pro1126Leu; replaces proline 1126 with leucine.
Molecular consequence: missense variant. On other transcripts: intron variant (137).
Genome position (GRCh38, 1-based): chr17:43,092,154, G>A on the plus strand (C>T on the coding strand, the complement: BRCA1 is on the minus strand). VCF-style: chr17-43092154-G-A. GRCh37 (hg19) VCF-style: chr17-41244171-G-A.
Other names: c.3236C>T, p.Pro1079Leu (NM_001407696.1, NM_001407697.1, NM_001407698.1 and 29 more transcripts); c.3233C>T, p.Pro1078Leu (NM_001407740.1, NM_001407741.1, NM_001407742.1 and 20 more transcripts); c.3164C>T, p.Pro1055Leu (NM_001407853.1, NM_001407894.1, NM_001407895.1 and 9 more transcripts); c.3377C>T, p.Pro1126Leu (NM_001407854.1, NM_001407858.1, NM_001407859.1 and 30 more transcripts); c.3374C>T, p.Pro1125Leu (NM_001407860.1, NM_001407861.1, NM_001407587.1 and 22 more transcripts); c.3176C>T, p.Pro1059Leu (NM_001407862.1); c.3254C>T, p.Pro1085Leu (NM_001407863.1, NM_001407919.1, NM_001407937.1 and 19 more transcripts); c.3173C>T, p.Pro1058Leu (NM_001407874.1, NM_001407875.1); and 41 more; short protein forms P1126L, P1079L, P1055L, P1078L, P1123L, P958L, P998L, P1056L.
Identifiers: ClinVar variation 54862 (VCV000054862.28), dbSNP rs80356887, ClinGen allele CA002188.
Genomic context (GRCh38, chr17:43,092,154, plus strand): 5'-CAAACCTGAGATGCATGACTACTTCCCATAGGCTGTTCTAAGTTATCTGAAATCAGATAT[G>A]GAGAGAAATCTGTATTAACAGTCTGAACTACTTCTTCATATTCTTGCTTTTTTATTTCAG-3'
Protein context (NP_009225.1, residues 1116-1136): VVQTVNTDFS[Pro1126Leu]YLISDNLEQP